The following is an entry in ClinVar:

NM_005956.4(MTHFD1):c.517C>G (p.Arg173Gly)

Gene: MTHFD1 (methylenetetrahydrofolate dehydrogenase, cyclohydrolase and formyltetrahydrofolate synthetase 1; plus strand). Cytogenetic location: 14q23.3.
Variant type: single nucleotide variant.
Coding change: c.517C>G on transcript NM_005956.4 (MANE Select); coding-DNA position 517, C replaced by G.
Protein change: p.Arg173Gly; replaces arginine 173 with glycine.
Molecular consequence: missense variant.
Genome position (GRCh38, 1-based): chr14:64,417,926, C>G. VCF-style: chr14-64417926-C-G. GRCh37 (hg19) VCF-style: chr14-64884644-C-G.
Other names: c.517C>G, p.Arg173Gly (NM_001364837.1); short protein forms R173G.
Identifiers: ClinVar variation 1522674 (VCV001522674.8), dbSNP rs141210410, ClinGen allele CA389975930.

ClinVar aggregate classification (germline): Uncertain significance (1 of 4 stars; one submission).

Submission:

Labcorp Genetics (formerly Invitae), Labcorp
Classification: Uncertain significance. Last evaluated: 2020-11-15. Review status: criteria provided, single submitter. Criteria: Invitae Variant Classification Sherloc (09022015). Collection method: clinical testing. Allele origin: germline.
Comment: This sequence change replaces arginine with glycine at codon 173 of the MTHFD1 protein (p.Arg173Gly). The arginine residue is highly conserved and there is a moderate physicochemical difference between arginine and glycine. This variant is not present in population databases (ExAC no frequency). This variant has not been reported in the literature in individuals with MTHFD1-related conditions. Algorithms developed to predict the effect of missense changes on protein structure and function (SIFT, PolyPhen-2, Align-GVGD) all suggest that this variant is likely to be disruptive, but these predictions have not been confirmed by published functional studies and their clinical significance is uncertain. In summary, the available evidence is currently insufficient to determine the role of this variant in disease. Therefore, it has been classified as a Variant of Uncertain Significance.